The following is an entry in ClinVar:

ClinVar aggregate classification (germline): Uncertain significance (1 of 4 stars; one submission).

Submission:

GeneDx
Classification: Uncertain significance. Last evaluated: 2026-04-06. Review status: criteria provided, single submitter. Criteria: GeneDx Variant Classification Process June 2021. Collection method: clinical testing. Allele origin: germline.
Comment: Not observed at significant frequency in large population cohorts (gnomAD); In silico analysis suggests that this missense variant does not alter protein structure/function; Has not been previously published as pathogenic or benign to our knowledge

NM_001378454.1(ALMS1):c.8463T>G (p.His2821Gln)

Gene: ALMS1 (ALMS1 centrosome and basal body associated protein; plus strand). Cytogenetic location: 2p13.1.
Variant type: single nucleotide variant.
Coding change: c.8463T>G on transcript NM_001378454.1 (MANE Select); coding-DNA position 8463, T replaced by G.
Protein change: p.His2821Gln; replaces histidine 2821 with glutamine.
Molecular consequence: missense variant.
Genome position (GRCh38, 1-based): chr2:73,490,422, T>G. VCF-style: chr2-73490422-T-G. GRCh37 (hg19) VCF-style: chr2-73717549-T-G.
Other names: c.8466T>G, p.His2822Gln (NM_015120.4); short protein forms H2821Q, H2822Q.
Identifiers: ClinVar variation 5017828 (VCV005017828.1).